The following is an entry in ClinVar:

NM_000551.4(VHL):c.506del (p.Leu169fs)

Genes: VHL (von Hippel-Lindau tumor suppressor; plus strand), LOC107303340 (3p25 von Hippel-Lindau tumor suppressor, E3 ubiquitin protein ligase Alu-mediated recombination region; plus strand). Cytogenetic location: 3p25.3.
Variant type: Deletion.
Coding change: c.506del on transcript NM_000551.4 (MANE Select); coding-DNA position 506, one base deleted (T; older notation c.506delT).
Protein change: p.Leu169fs; shifts the reading frame from leucine 169.
Molecular consequence: frameshift variant. On other transcripts: 3 prime UTR variant (1).
Genome position (GRCh38, 1-based): chr3:10,149,829, T deleted. VCF-style (leftmost placement, unchanged base first): chr3-10149828-CT-C. GRCh37 (hg19) VCF-style: chr3-10191512-CT-C.
Other names: c.*60del (NM_001354723.2); c.383del, p.Leu128fs (NM_198156.3); short protein forms L128fs, L169fs.
Identifiers: ClinVar variation 1745148 (VCV001745148.2), dbSNP rs1205346910, ClinGen allele CA432423319.

ClinVar aggregate classification (germline): Likely pathogenic (1 of 4 stars; one submission).

Conditions:
Hereditary cancer-predisposing syndrome. Also called: Hereditary Cancer Syndrome; Neoplastic Syndromes, Hereditary; Tumor predisposition; Hereditary neoplastic syndrome. Identifiers: Orphanet 140162, MedGen C0027672, MeSH D009386, MONDO:0015356.

Submission:

Ambry Genetics
Classification: Likely pathogenic for Hereditary cancer-predisposing syndrome. Last evaluated: 2021-04-22. Review status: criteria provided, single submitter. Criteria: Ambry Variant Classification Scheme 2023. Collection method: clinical testing. Allele origin: germline.
Comment: The c.506delT variant, located in coding exon 3 of the VHL gene, results from a deletion of one nucleotide at nucleotide position 506, causing a translational frameshift with a predicted alternate stop codon (p.L169Qfs*33). This alteration occurs at the 3' terminus of theVHL gene, is not expected to trigger nonsense-mediated mRNA decay, and only impacts the last 45 amino acids of the protein. However, premature stop codons are typically deleterious in nature and a significant portion of the protein is affected (Ambry internal data). This variant is considered to be rare based on population cohorts in the Genome Aggregation Database (gnomAD). Based on the majority of available evidence to date, this variant is likely to be pathogenic.